The following is an entry in ClinVar:

ClinVar aggregate classification (germline): Likely benign. Review status: criteria provided, single submitter (1 of 4 stars). 2 submissions from 2 submitters: Likely benign (1). 1 of the submissions does not count toward it. Last evaluated 2023-11-05.

Conditions:
Alzheimer disease 3 (AD3). Also called: ALZHEIMER DISEASE, FAMILIAL, 3. Identifiers: Orphanet 1020, MedGen C1843013, MONDO:0011913, OMIM 607822.
Pick disease. Also called: LOBAR ATROPHY OF BRAIN; Pick's disease; PICK DISEASE OF BRAIN; DEMENTIA WITH LOBAR ATROPHY AND NEURONAL CYTOPLASMIC INCLUSIONS; Pick Disease of the Brain. Identifiers: Orphanet 282, MedGen C0236642, MONDO:0008243, OMIM 172700.
Frontotemporal dementia (FTD1). Also called: FRONTOTEMPORAL DEMENTIA WITH PARKINSONISM; FRONTOTEMPORAL LOBE DEMENTIA; MULTIPLE SYSTEM TAUOPATHY WITH PRESENILE DEMENTIA; WILHELMSEN-LYNCH DISEASE; Dementia, frontotemporal, with or without parkinsonism; Frontotemporal lobe dementia (FLDEM). Identifiers: Orphanet 282, MedGen C0338451, MONDO:0017276, OMIM 600274, HP:0002145.
Acne inversa, familial, 3 (ACNINV3). Identifiers: MedGen C3151038, MONDO:0013398, OMIM 613737.
PSEN1-related disorder. Also called: PSEN1-related condition.

Allele frequency attached by ClinVar (database versions not stated): gnomAD 0.00004; TOPMed 0.00004.
gnomAD v4.1: 44 of 1,614,042 alleles (0.0027%); highest among the groups gnomAD compares: African/African-American, 0.004%; no homozygotes.

Submissions (2):

Labcorp Genetics (formerly Invitae), Labcorp
Classification: Likely benign for Alzheimer disease 3; Pick disease; Acne inversa, familial, 3; Frontotemporal dementia. Last evaluated: 2023-11-05. Review status: criteria provided, single submitter. Criteria: Invitae Variant Classification Sherloc (09022015). Collection method: clinical testing. Allele origin: germline.

PreventionGenetics, part of Exact Sciences
Classification: Likely benign for PSEN1-related condition. Last evaluated: 2019-03-06. Review status: no assertion criteria provided. Collection method: clinical testing. Allele origin: germline. Not counted in ClinVar's aggregate classification.
Comment: This variant is classified as likely benign based on ACMG/AMP sequence variant interpretation guidelines (Richards et al. 2015 PMID: 25741868, with internal and published modifications).

NM_000021.4(PSEN1):c.468C>T (p.Tyr156=)

Gene: PSEN1 (presenilin 1; plus strand). Cytogenetic location: 14q24.2.
Variant type: single nucleotide variant.
Coding change: c.468C>T on transcript NM_000021.4 (MANE Select); coding-DNA position 468, C replaced by T.
Protein change: p.Tyr156=; no amino-acid change (tyrosine 156 retained).
Molecular consequence: synonymous variant.
Genome position (GRCh38, 1-based): chr14:73,173,695, C>T. VCF-style: chr14-73173695-C-T. GRCh37 (hg19) VCF-style: chr14-73640403-C-T.
Other names: c.468C>T (NM_000021.3); c.456C>T, p.Tyr152= (NM_007318.3).
Identifiers: ClinVar variation 2934285 (VCV002934285.5), dbSNP rs956638868, ClinGen allele CA262615259.
Genomic context (GRCh38, chr14:73,173,695, plus strand): 5'-TGCCATCATGATCAGTGTCATTGTTGTCATGACTATCCTCCTGGTGGTTCTGTATAAATA[C>T]AGGTGCTATAAGGTGAGCATGAGACACAGATCTTTGCTTTCCACCCTGTTCTTCTTATGG-3'
Protein context (NP_000012.1, residues 146-166): MTILLVVLYK[Tyr156=]RCYKVIHAWL